The following is an entry in ClinVar:

NM_014679.5(CEP57):c.1459A>G (p.Ile487Val)

Gene: CEP57 (centrosomal protein 57; plus strand). Cytogenetic location: 11q21.
Variant type: single nucleotide variant.
Coding change: c.1459A>G on transcript NM_014679.5 (MANE Select); coding-DNA position 1459, A replaced by G.
Protein change: p.Ile487Val; replaces isoleucine 487 with valine.
Molecular consequence: missense variant.
Genome position (GRCh38, 1-based): chr11:95,831,212, A>G. VCF-style: chr11-95831212-A-G. GRCh37 (hg19) VCF-style: chr11-95564376-A-G.
Other names: c.1459A>G (NM_014679.4); c.1432A>G, p.Ile478Val (NM_001243776.2); c.1381A>G, p.Ile461Val (NM_001243777.2); c.1378A>G, p.Ile460Val (NM_001363604.2); short protein forms I487V, I460V, I461V, I478V.
Identifiers: ClinVar variation 2851060 (VCV002851060.4), dbSNP rs2496354034, ClinGen allele CA382410432.
Genomic context (GRCh38, chr11:95,831,212, plus strand): 5'-AAACTGAGACCTGGAGAAAAAAGGAGAAAAAATCTTCAGTTATTGAAGGACATGCAAAGC[A>G]TACAGAATTCATTACAAAGCAGTAGTTTGTGTTGGGATTACTGACTCATAACCAGGTCAG-3'
Protein context (NP_055494.2, residues 477-497): NLQLLKDMQS[Ile487Val]QNSLQSSSLC

ClinVar aggregate classification (germline): Uncertain significance. Review status: criteria provided, multiple submitters, no conflicts (2 of 4 stars). 2 submissions from 2 submitters: Uncertain significance (2). Last evaluated 2026-04-08.

Conditions:
Inborn genetic diseases. Identifiers: MedGen C0950123, MeSH D030342.
Mosaic variegated aneuploidy syndrome 2 (MVA2). Identifiers: Orphanet 1052, MedGen C3279843, MONDO:0013582, OMIM 614114.

Allele frequency attached by ClinVar (database versions not stated): gnomAD exomes below 0.00001.
gnomAD v4.1: 1 of 1,613,662 alleles (0.000062%); highest among the groups gnomAD compares: Non-Finnish European, 0.000085%; no homozygotes.

Submissions (2):

Ambry Genetics
Classification: Uncertain significance for Inborn genetic diseases. Last evaluated: 2026-04-08. Review status: criteria provided, single submitter. Criteria: Ambry Variant Classification Scheme 2023. Collection method: clinical testing. Allele origin: germline.
Comment: The p.I487V variant (also known as c.1459A>G), located in coding exon 11 of the CEP57 gene, results from an A to G substitution at nucleotide position 1459. The isoleucine at codon 487 is replaced by valine, an amino acid with highly similar properties. This amino acid position is conserved. In addition, this alteration is predicted to be tolerated by in silico analysis. Based on the available evidence, the clinical significance of this variant remains unclear.

Labcorp Genetics (formerly Invitae), Labcorp
Classification: Uncertain significance for Mosaic variegated aneuploidy syndrome 2. Last evaluated: 2023-10-16. Review status: criteria provided, single submitter. Criteria: Invitae Variant Classification Sherloc (09022015). Collection method: clinical testing. Allele origin: germline.
Comment: This sequence change replaces isoleucine, which is neutral and non-polar, with valine, which is neutral and non-polar, at codon 487 of the CEP57 protein (p.Ile487Val). This variant is not present in population databases (gnomAD no frequency). This variant has not been reported in the literature in individuals affected with CEP57-related conditions. Advanced modeling of protein sequence and biophysical properties (such as structural, functional, and spatial information, amino acid conservation, physicochemical variation, residue mobility, and thermodynamic stability) performed at Invitae indicates that this missense variant is not expected to disrupt CEP57 protein function. In summary, the available evidence is currently insufficient to determine the role of this variant in disease. Therefore, it has been classified as a Variant of Uncertain Significance.